The following is an entry in ClinVar:

NM_003072.5(SMARCA4):c.648G>T (p.Gln216His)

Gene: SMARCA4 (SWI/SNF related BAF chromatin remodeling complex subunit ATPase 4; plus strand). Cytogenetic location: 19p13.2.
Variant type: single nucleotide variant.
Coding change: c.648G>T on transcript NM_003072.5 (MANE Select); coding-DNA position 648, G replaced by T.
Protein change: p.Gln216His; replaces glutamine 216 with histidine.
Molecular consequence: missense variant. On other transcripts: non-coding transcript variant (1).
Genome position (GRCh38, 1-based): chr19:10,986,481, G>T. VCF-style: chr19-10986481-G-T. GRCh37 (hg19) VCF-style: chr19-11097157-G-T.
Other names: c.648G>T, p.Gln216His (NM_001128844.3, NM_001128845.2, NM_001128846.2 and 6 more transcripts); short protein forms Q216H.
Identifiers: ClinVar variation 2750861 (VCV002750861.3), dbSNP rs878854236, ClinGen allele CA404056788.

ClinVar aggregate classification (germline): Uncertain significance (1 of 4 stars; one submission).

Conditions:
Rhabdoid tumor predisposition syndrome 2 (RTPS2). Identifiers: Orphanet 231108, Orphanet 69077, MedGen C2750074, MONDO:0013224, OMIM 613325.

Submission:

Labcorp Genetics (formerly Invitae), Labcorp
Classification: Uncertain significance for Rhabdoid tumor predisposition syndrome 2. Last evaluated: 2023-08-07. Review status: criteria provided, single submitter. Criteria: Invitae Variant Classification Sherloc (09022015). Collection method: clinical testing. Allele origin: germline.
Comment: In summary, the available evidence is currently insufficient to determine the role of this variant in disease. Therefore, it has been classified as a Variant of Uncertain Significance. Advanced modeling of protein sequence and biophysical properties (such as structural, functional, and spatial information, amino acid conservation, physicochemical variation, residue mobility, and thermodynamic stability) performed at Invitae indicates that this missense variant is not expected to disrupt SMARCA4 protein function. This variant has not been reported in the literature in individuals affected with SMARCA4-related conditions. This variant is not present in population databases (gnomAD no frequency). This sequence change replaces glutamine, which is neutral and polar, with histidine, which is basic and polar, at codon 216 of the SMARCA4 protein (p.Gln216His).